The following is an entry in ClinVar:

ClinVar aggregate classification (germline): Pathogenic/Likely pathogenic. Review status: criteria provided, multiple submitters, no conflicts (2 of 4 stars). 4 submissions from 4 submitters: Pathogenic (2); Likely pathogenic (2). Last evaluated 2026-06-19.

Conditions:
Inborn genetic diseases. Identifiers: MedGen C0950123, MeSH D030342.
WDPCP-related disorder. Also called: WDPCP-related condition.
Bardet-Biedl syndrome (BBS). Identifiers: Orphanet 110, MedGen C0752166, MONDO:0015229.

Allele frequency attached by ClinVar (database versions not stated): gnomAD exomes below 0.00001 and 0.00001; gnomAD 0.00012 and 0.00013; 1000 Genomes Project 30x 0.00016; 1000 Genomes Project 0.00020; TOPMed 0.00025.
gnomAD v4.1: 30 of 1,613,920 alleles (0.0019%); highest among the groups gnomAD compares: Admixed American, 0.04%; no homozygotes.

Submissions (4):

PreventionGenetics, part of Exact Sciences
Classification: Likely pathogenic for WDPCP-related condition. Last evaluated: 2026-06-19. Review status: criteria provided, single submitter. Criteria: ACMG Guidelines, 2015. Collection method: clinical testing. Allele origin: germline.
Comment: The WDPCP c.979C>T variant is predicted to result in premature protein termination (p.Gln327*). This variant was reported in the heterozygous state without a second variant in a study of individuals with retinitis pigmentosa (Vargas et al. 2022. PubMed ID: 35318874). This variant is reported in 0.0028% of alleles in individuals of Latino descent in gnomAD. Nonsense variants in WDPCP are expected to be pathogenic. This variant is interpreted as likely pathogenic.

Labcorp Genetics (formerly Invitae), Labcorp
Classification: Pathogenic for Bardet-Biedl syndrome. Last evaluated: 2025-09-07. Review status: criteria provided, single submitter. Criteria: Invitae Variant Classification Sherloc (09022015). Collection method: clinical testing. Allele origin: germline.
Comment: This sequence change creates a premature translational stop signal (p.Gln327*) in the WDPCP gene. It is expected to result in an absent or disrupted protein product. Loss-of-function variants in WDPCP are known to be pathogenic (PMID: 20671153, 25427950, 27158779). This variant is present in population databases (rs182144885, gnomAD no frequency). This variant has not been reported in the literature in individuals affected with WDPCP-related conditions. ClinVar contains an entry for this variant (Variation ID: 1070497). For these reasons, this variant has been classified as Pathogenic.

Ambry Genetics
Classification: Pathogenic for Inborn genetic diseases. Last evaluated: 2022-08-22. Review status: criteria provided, single submitter. Criteria: Ambry Variant Classification Scheme 2023. Collection method: clinical testing. Allele origin: germline.
Comment: The c.979C>T (p.Q327*) alteration, located in exon 10 (coding exon 10) of the WDPCP gene, consists of a C to T substitution at nucleotide position 979. This changes the amino acid from a glutamine (Q) to a stop codon at amino acid position 327. This alteration is expected to result in loss of function by premature protein truncation or nonsense-mediated mRNA decay. Based on the available evidence, this alteration is classified as pathogenic.

Blueprint Genetics
Classification: Likely pathogenic for WDPCP-related disorders. Last evaluated: 2020-02-10. Review status: criteria provided, single submitter. Criteria: ACMG Guidelines, 2015. Collection method: clinical testing. Allele origin: germline. Affected: yes. Observed: 4 variant alleles.

Literature cited by the submitters: PubMed 20671153 (cited by Labcorp Genetics (formerly Invitae), Labcorp); PubMed 25427950 (cited by Labcorp Genetics (formerly Invitae), Labcorp); PubMed 27158779 (cited by Labcorp Genetics (formerly Invitae), Labcorp).

NM_015910.7(WDPCP):c.979C>T (p.Gln327Ter)

Gene: WDPCP (WD repeat containing planar cell polarity effector; minus strand). Cytogenetic location: 2p15.
Variant type: single nucleotide variant.
Coding change: c.979C>T on transcript NM_015910.7 (MANE Select); coding-DNA position 979, C replaced by T.
Protein change: p.Gln327Ter; replaces glutamine 327 with a stop codon.
Molecular consequence: nonsense. On other transcripts: non-coding transcript variant (3).
Genome position (GRCh38, 1-based): chr2:63,404,504, G>A on the plus strand (C>T on the coding strand, the complement: WDPCP is on the minus strand). VCF-style: chr2-63404504-G-A. GRCh37 (hg19) VCF-style: chr2-63631639-G-A.
Other names: c.979C>T (NM_015910.5); c.502C>T, p.Gln168Ter (NM_001042692.3); c.907C>T, p.Gln303Ter (NM_001354044.2); c.979C>T, p.Gln327Ter (NM_001354045.2); short protein forms Q168*, Q303*, Q327*.
Identifiers: ClinVar variation 1070497 (VCV001070497.12), dbSNP rs182144885, ClinGen allele CA49233684.